The following is an entry in ClinVar:

NM_014159.7(SETD2):c.2704G>C (p.Glu902Gln)

Gene: SETD2 (SET domain containing 2, histone lysine methyltransferase; minus strand). Cytogenetic location: 3p21.31.
Variant type: single nucleotide variant.
Coding change: c.2704G>C on transcript NM_014159.7 (MANE Select); coding-DNA position 2704, G replaced by C.
Protein change: p.Glu902Gln; replaces glutamic acid 902 with glutamine.
Molecular consequence: missense variant. On other transcripts: non-coding transcript variant (1).
Genome position (GRCh38, 1-based): chr3:47,121,932, C>G on the plus strand (G>C on the coding strand, the complement: SETD2 is on the minus strand). VCF-style: chr3-47121932-C-G. GRCh37 (hg19) VCF-style: chr3-47163422-C-G.
Other names: c.2572G>C, p.Glu858Gln (NM_001349370.3); short protein forms E902Q, E858Q.
Identifiers: ClinVar variation 135230 (VCV000135230.15), dbSNP rs58906143, ClinGen allele CA162083.

ClinVar aggregate classification (germline): Benign. Review status: criteria provided, multiple submitters, no conflicts (2 of 4 stars). 7 submissions from 7 submitters: Benign (6). 1 of the submissions does not count toward it. Last evaluated 2026-02-03.

Conditions:
Luscan-Lumish syndrome. Identifiers: Orphanet 597738, MedGen C4085873, MONDO:0014791, OMIM 616831.

Allele frequency attached by ClinVar (database versions not stated): gnomAD exomes 0.00626 and 0.01669; ExAC 0.02033; 1000 Genomes Project 0.07109; ESP Exome Variant Server 0.07143; TOPMed 0.07379; 1000 Genomes Project 30x 0.07511.
gnomAD v4.1: 19,311 of 1,613,906 alleles (1.2%); highest among the groups gnomAD compares: African/African-American, 22%; 1,982 homozygotes.

Submissions (7):

Labcorp Genetics (formerly Invitae), Labcorp
Classification: Benign for Luscan-Lumish syndrome. Last evaluated: 2026-02-03. Review status: criteria provided, single submitter. Criteria: Invitae Variant Classification Sherloc (09022015). Collection method: clinical testing. Allele origin: germline.

Genome-Nilou Lab
Classification: Benign for Luscan-Lumish syndrome. Last evaluated: 2022-03-15. Review status: criteria provided, single submitter. Criteria: ACMG Guidelines, 2015. Collection method: clinical testing. Allele origin: germline. Affected: no.

Mayo Clinic Laboratories, Mayo Clinic
Classification: Benign. Last evaluated: 2021-11-29. Review status: criteria provided, single submitter. Criteria: ACMG Guidelines, 2015. Collection method: clinical testing. Allele origin: germline. Observed: 11 variant alleles.

GeneDx
Classification: Benign. Last evaluated: 2018-08-20. Review status: criteria provided, single submitter. Criteria: GeneDx Variant Classification Process June 2021. Collection method: clinical testing. Allele origin: germline. Affected: yes.

Athena Diagnostics
Classification: Benign. Last evaluated: 2017-06-26. Review status: criteria provided, single submitter. Criteria: Athena Diagnostics Criteria. Collection method: clinical testing. Allele origin: germline.

Breakthrough Genomics
Classification: Benign. Review status: criteria provided, single submitter. Criteria: ACMG Guidelines, 2015. Collection method: not provided. Allele origin: germline. Inheritance: Autosomal dominant inheritance. Affected: yes.

ITMI
No classification provided. Condition: AllHighlyPenetrant. Last evaluated: 2013-09-19. Review status: no classification provided. Collection method: reference population. Allele origin: germline. Not counted in ClinVar's aggregate classification.
Comment: Please see associated publication for description of ethnicities

Literature cited by the submitters: PubMed 24728327 (cited by ITMI).